The following is an entry in ClinVar:

NM_001458.5(FLNC):c.5469G>A (p.Thr1823=)

Genes: FLNC-AS1 (FLNC antisense RNA 1; minus strand), FLNC (filamin C; plus strand). Cytogenetic location: 7q32.1.
Variant type: single nucleotide variant.
Coding change: c.5469G>A on transcript NM_001458.5 (MANE Select); coding-DNA position 5469, G replaced by A.
Protein change: p.Thr1823=; no amino-acid change (threonine 1823 retained).
Molecular consequence: synonymous variant.
Genome position (GRCh38, 1-based): chr7:128,850,873, G>A. VCF-style: chr7-128850873-G-A. GRCh37 (hg19) VCF-style: chr7-128490927-G-A.
Other names: c.5370G>A, p.Thr1790= (NM_001127487.2).
Identifiers: ClinVar variation 511272 (VCV000511272.19), dbSNP rs550620019, ClinGen allele CA4475706.
Genomic context (GRCh38, chr7:128,850,873, plus strand): 5'-GATGCCCTCGGGGAAGACGGCACGGCCCAACATCACCGACAACAAGGACGGCACCATCAC[G>A]GTGAGGTATGCACCCACTGAGAAAGGCCTGCACCAGATGGGGATCAAGTATGACGGCAAC-3'
Protein context (NP_001449.3, residues 1813-1833): NITDNKDGTI[Thr1823=]VRYAPTEKGL

ClinVar aggregate classification (germline): Conflicting classifications of pathogenicity. Review status: criteria provided, conflicting classifications (1 of 4 stars). 6 submissions from 6 submitters: Uncertain significance (1); Likely benign (5). Last evaluated 2026-05-25.

Conditions:
FLNC-related disorder. Also called: FLNC-related condition; FLNC-related disorders.
Hypertrophic cardiomyopathy 26. Also called: Cardiomyopathy, familial hypertrophic, 26. Identifiers: Orphanet 75249, MedGen C4310749, MONDO:0014883, OMIM 617047.
Myofibrillar myopathy 5. Also called: FILAMINOPATHY, AUTOSOMAL DOMINANT; Filaminopathy (type). Identifiers: Orphanet 171445, MedGen C1836050, MONDO:0012289, OMIM 609524.
Distal myopathy with posterior leg and anterior hand involvement. Also called: WILLIAMS DISTAL MYOPATHY. Identifiers: Orphanet 63273, MedGen C3279722, MONDO:0013550, OMIM 614065.
Cardiovascular phenotype. Identifiers: MedGen CN230736.

Allele frequency attached by ClinVar (database versions not stated): TOPMed 0.00005; 1000 Genomes Project 30x 0.00047; 1000 Genomes Project 0.00060.
gnomAD v4.1: 37 of 1,613,680 alleles (0.0023%); highest among the groups gnomAD compares: Middle Eastern, 0.017%; 1 homozygote.

Submissions (6):

PreventionGenetics, part of Exact Sciences
Classification: Likely benign for FLNC-related condition. Last evaluated: 2026-05-25. Review status: criteria provided, single submitter. Criteria: ACMG Guidelines, 2015. Collection method: clinical testing. Allele origin: germline.
Comment: This variant is classified as likely benign based on ACMG/AMP sequence variant interpretation guidelines (Richards et al. 2015 PMID: 25741868, with internal and published modifications).

Labcorp Genetics (formerly Invitae), Labcorp
Classification: Likely benign for Distal myopathy with posterior leg and anterior hand involvement; Myofibrillar myopathy 5; Hypertrophic cardiomyopathy 26. Last evaluated: 2026-02-01. Review status: criteria provided, single submitter. Criteria: Invitae Variant Classification Sherloc (09022015). Collection method: clinical testing. Allele origin: germline.

GeneDx
Classification: Uncertain significance. Last evaluated: 2025-12-19. Review status: criteria provided, single submitter. Criteria: GeneDx Variant Classification Process June 2021. Collection method: clinical testing. Allele origin: germline. Affected: yes.
Comment: Has not been previously published as pathogenic or benign to our knowledge; In silico analysis suggests this variant may impact gene splicing. In the absence of RNA/functional studies, the actual effect of this sequence change is unknown.

ARUP Laboratories, Molecular Genetics and Genomics, ARUP Laboratories
Classification: Likely benign. Last evaluated: 2025-02-14. Review status: criteria provided, single submitter. Criteria: ARUP Molecular Germline Variant Investigation Process 2024. Collection method: clinical testing. Allele origin: germline.

Blueprint Genetics
Classification: Likely benign. Last evaluated: 2024-09-20. Review status: criteria provided, single submitter. Criteria: ACMG Guidelines, 2015. Collection method: clinical testing. Allele origin: germline.

Ambry Genetics
Classification: Likely benign for Cardiovascular phenotype. Last evaluated: 2019-11-11. Review status: criteria provided, single submitter. Criteria: Ambry Variant Classification Scheme 2023. Collection method: clinical testing. Allele origin: germline.